The following is an entry in ClinVar:

NM_014159.7(SETD2):c.388T>C (p.Ser130Pro)

Gene: SETD2 (SET domain containing 2, histone lysine methyltransferase; minus strand). Cytogenetic location: 3p21.31.
Variant type: single nucleotide variant.
Coding change: c.388T>C on transcript NM_014159.7 (MANE Select); coding-DNA position 388, T replaced by C.
Protein change: p.Ser130Pro; replaces serine 130 with proline.
Molecular consequence: missense variant. On other transcripts: non-coding transcript variant (1).
Genome position (GRCh38, 1-based): chr3:47,124,248, A>G on the plus strand (T>C on the coding strand, the complement: SETD2 is on the minus strand). VCF-style: chr3-47124248-A-G. GRCh37 (hg19) VCF-style: chr3-47165738-A-G.
Other names: c.256T>C, p.Ser86Pro (NM_001349370.3); short protein forms S130P, S86P.
Identifiers: ClinVar variation 2628848 (VCV002628848.1), dbSNP rs2106723723, ClinGen allele CA352537315.

ClinVar aggregate classification (germline): Uncertain significance (1 of 4 stars; one submission).

Conditions:
SETD2-related disorder.

gnomAD v4.1: 1 of 1,551,760 alleles (0.000064%); no homozygotes.

Submission:

PreventionGenetics, part of Exact Sciences
Classification: Uncertain significance for SETD2-related condition. Last evaluated: 2023-04-21. Review status: criteria provided, single submitter. Criteria: ACMG Guidelines, 2015. Collection method: clinical testing. Allele origin: germline.
Comment: The SETD2 c.388T>C variant is predicted to result in the amino acid substitution p.Ser130Pro. To our knowledge, this variant has not been reported in the literature or in a large population database, indicating this variant is rare. At this time, the clinical significance of this variant is uncertain due to the absence of conclusive functional and genetic evidence.